The following is an entry in ClinVar:

NM_005431.2(XRCC2):c.634G>A (p.Ala212Thr)

Gene: XRCC2 (X-ray repair cross complementing 2; minus strand). Cytogenetic location: 7q36.1.
Variant type: single nucleotide variant.
Coding change: c.634G>A on transcript NM_005431.2 (MANE Select); coding-DNA position 634, G replaced by A.
Protein change: p.Ala212Thr; replaces alanine 212 with threonine.
Molecular consequence: missense variant.
Genome position (GRCh38, 1-based): chr7:152,648,851, C>T on the plus strand (G>A on the coding strand, the complement: XRCC2 is on the minus strand). VCF-style: chr7-152648851-C-T. GRCh37 (hg19) VCF-style: chr7-152345936-C-T.
Other names: short protein forms A212T.
Identifiers: ClinVar variation 4202859 (VCV004202859.1).

ClinVar aggregate classification (germline): Uncertain significance (1 of 4 stars; one submission).

Conditions:
Hereditary cancer-predisposing syndrome. Also called: Neoplastic Syndromes, Hereditary; Tumor predisposition; Hereditary Cancer Syndrome; Hereditary neoplastic syndrome. Identifiers: Orphanet 140162, MedGen C0027672, MeSH D009386, MONDO:0015356.

gnomAD v4.1: 1 of 1,613,822 alleles (0.000062%); no homozygotes.

Submission:

Ambry Genetics
Classification: Uncertain significance for Hereditary cancer-predisposing syndrome. Last evaluated: 2025-06-28. Review status: criteria provided, single submitter. Criteria: Ambry Variant Classification Scheme 2023. Collection method: clinical testing. Allele origin: germline.
Comment: The p.A212T variant (also known as c.634G>A), located in coding exon 3 of the XRCC2 gene, results from a G to A substitution at nucleotide position 634. The alanine at codon 212 is replaced by threonine, an amino acid with similar properties. This amino acid position is conserved. In addition, this alteration is predicted to be tolerated by in silico analysis. Based on the available evidence, the clinical significance of this variant remains unclear.